The following is an entry in ClinVar:

ClinVar aggregate classification (germline): Pathogenic (1 of 4 stars; one submission).

Conditions:
Cohen syndrome (COH1). Also called: Cutis verticis gyrata, retinitis pigmentosa, and sensorineural deafness; PEPPER SYNDROME. Identifiers: Orphanet 193, MedGen C0265223, MONDO:0008999, OMIM 216550.

Submission:

Labcorp Genetics (formerly Invitae), Labcorp
Classification: Pathogenic for Cohen syndrome. Last evaluated: 2025-03-17. Review status: criteria provided, single submitter. Criteria: Invitae Variant Classification Sherloc (09022015). Collection method: clinical testing. Allele origin: germline.
Comment: This sequence change creates a premature translational stop signal (p.Asn1888Thrfs*31) in the VPS13B gene. It is expected to result in an absent or disrupted protein product. Loss-of-function variants in VPS13B are known to be pathogenic (PMID: 15141358, 16648375, 20461111). This variant is not present in population databases (gnomAD no frequency). This variant has not been reported in the literature in individuals affected with VPS13B-related conditions. ClinVar contains an entry for this variant (Variation ID: 2812224). For these reasons, this variant has been classified as Pathogenic.

Literature cited by the submitters: PubMed 15141358; PubMed 16648375; PubMed 20461111.

NM_152564.5(VPS13B):c.5588_5589del (p.Asn1863fs)

Gene: VPS13B (vacuolar protein sorting 13 homolog B; plus strand). Cytogenetic location: 8q22.2.
Variant type: Deletion.
Coding change: c.5588_5589del on transcript NM_152564.5 (MANE Select); coding-DNA positions 5588 to 5589, 2 bases deleted (AC; older notation c.5588_5589delAC).
Protein change: p.Asn1863fs; shifts the reading frame from asparagine 1863.
Molecular consequence: frameshift variant.
Genome position (GRCh38, 1-based): chr8:99,642,178-99,642,179, AC deleted. VCF-style (leftmost placement, unchanged base first): chr8-99642177-AAC-A. GRCh37 (hg19) VCF-style: chr8-100654405-AAC-A.
Other names: c.5663_5664del, p.Asn1888fs (NM_017890.5); short protein forms N1888fs, N1863fs.
Identifiers: ClinVar variation 2812224 (VCV002812224.3), dbSNP rs1829396059, ClinGen allele CA1805821479.